The following is an entry in ClinVar:

NM_031857.2(PCDHA9):c.192C>G (p.Phe64Leu)

Genes: PCDHA1 (protocadherin alpha 1; plus strand), PCDHA2 (protocadherin alpha 2; plus strand), PCDHA3 (protocadherin alpha 3; plus strand), PCDHA4 (protocadherin alpha 4; plus strand), PCDHA5 (protocadherin alpha 5; plus strand) and 5 more. Cytogenetic location: 5q31.3.
Variant type: single nucleotide variant.
Coding change: c.192C>G on transcript NM_031857.2 (MANE Select); coding-DNA position 192, C replaced by G.
Protein change: p.Phe64Leu; replaces phenylalanine 64 with leucine.
Molecular consequence: missense variant. On other transcripts: intron variant (10).
Genome position (GRCh38, 1-based): chr5:140,848,687, C>G. VCF-style: chr5-140848687-C-G. GRCh37 (hg19) VCF-style: chr5-140228272-C-G.
Other names: c.192C>G, p.Phe64Leu (NM_014005.5); c.2394+60003C>G (NM_018900.4); c.1602+60795C>G (NM_031411.3); c.2388+51335C>G (NM_018905.3); c.2394+45096C>G (NM_018906.3); c.2385+39115C>G (NM_018907.4); c.2352+24560C>G (NM_018908.3); c.2394+18202C>G (NM_018909.4); and 3 more; short protein forms F64L.
Identifiers: ClinVar variation 3039327 (VCV003039327.2), dbSNP rs56926451, ClinGen allele CA3450160.

ClinVar aggregate classification (germline): Likely benign (0 of 4 stars; one submission).

Conditions:
PCDHA9-related disorder. Also called: PCDHA9-related condition.

Allele frequency attached by ClinVar (database versions not stated): gnomAD exomes 0.00094; TOPMed 0.01155; 1000 Genomes Project 30x 0.01109; gnomAD 0.01028.
gnomAD v4.1: 2,953 of 1,592,340 alleles (0.19%); highest among the groups gnomAD compares: African/African-American, 3.5%; 211 homozygotes.

Submission:

PreventionGenetics, part of Exact Sciences
Classification: Likely benign for PCDHA9-related condition. Last evaluated: 2020-09-30. Review status: no assertion criteria provided. Collection method: clinical testing. Allele origin: germline.
Comment: This variant is classified as likely benign based on ACMG/AMP sequence variant interpretation guidelines (Richards et al. 2015 PMID: 25741868, with internal and published modifications).